The following is an entry in ClinVar:

ClinVar aggregate classification (germline): Uncertain significance. Review status: criteria provided, multiple submitters, no conflicts (2 of 4 stars). 3 submissions from 3 submitters: Uncertain significance (2). 1 of the submissions does not count toward it. Last evaluated 2024-03-11.

Conditions:
Familial dysautonomia. Also called: FD; HSAN III. Identifiers: Orphanet 1764, MedGen C0013364, MONDO:0009131, OMIM 223900. Disease mechanism: loss of function.
Medulloblastoma (MDB). Also called: MEDULLOBLASTOMA PREDISPOSITION SYNDROME; Medulloblastoma, somatic. Identifiers: Orphanet 616, MedGen C0025149, MeSH D008527, MONDO:0007959, OMIM 155255, HP:0002885.

Allele frequency attached by ClinVar (database versions not stated): gnomAD exomes below 0.00001; TOPMed below 0.00001.
gnomAD v4.1: 5 of 1,612,070 alleles (0.00031%); highest among the groups gnomAD compares: Admixed American, 0.0017%; no homozygotes.

Submissions (3):

Fulgent Genetics
Classification: Uncertain significance for Medulloblastoma; Familial dysautonomia. Last evaluated: 2024-03-11. Review status: criteria provided, single submitter. Criteria: ACMG Guidelines, 2015. Collection method: clinical testing. Allele origin: germline.

Labcorp Genetics (formerly Invitae), Labcorp
Classification: Uncertain significance. Last evaluated: 2022-06-16. Review status: criteria provided, single submitter. Criteria: Invitae Variant Classification Sherloc (09022015). Collection method: clinical testing. Allele origin: germline.
Comment: This sequence change replaces tyrosine, which is neutral and polar, with phenylalanine, which is neutral and non-polar, at codon 957 of the ELP1 protein (p.Tyr957Phe). This variant is not present in population databases (gnomAD no frequency). This variant has not been reported in the literature in individuals affected with ELP1-related conditions. ClinVar contains an entry for this variant (Variation ID: 989526). Algorithms developed to predict the effect of missense changes on protein structure and function output the following: SIFT: "Tolerated"; PolyPhen-2: "Benign"; Align-GVGD: "Class C0". The phenylalanine amino acid residue is found in multiple mammalian species, which suggests that this missense change does not adversely affect protein function. In summary, the available evidence is currently insufficient to determine the role of this variant in disease. Therefore, it has been classified as a Variant of Uncertain Significance.

Natera, Inc.
Classification: Uncertain significance for Familial dysautonomia. Last evaluated: 2020-08-21. Review status: no assertion criteria provided. Collection method: clinical testing. Allele origin: germline. Not counted in ClinVar's aggregate classification.

NM_003640.5(ELP1):c.2870A>T (p.Tyr957Phe)

Gene: ELP1 (elongator acetyltransferase complex subunit 1; minus strand). Cytogenetic location: 9q31.3.
Variant type: single nucleotide variant.
Coding change: c.2870A>T on transcript NM_003640.5 (MANE Select); coding-DNA position 2870, A replaced by T.
Protein change: p.Tyr957Phe; replaces tyrosine 957 with phenylalanine.
Molecular consequence: missense variant.
Genome position (GRCh38, 1-based): chr9:108,893,074, T>A on the plus strand (A>T on the coding strand, the complement: ELP1 is on the minus strand). VCF-style: chr9-108893074-T-A. GRCh37 (hg19) VCF-style: chr9-111655354-T-A.
Other names: c.2528A>T, p.Tyr843Phe (NM_001318360.2); c.1823A>T, p.Tyr608Phe (NM_001330749.2); short protein forms Y608F, Y843F, Y957F.
Identifiers: ClinVar variation 989526 (VCV000989526.4), dbSNP rs1828405751, ClinGen allele CA374418591.